The following is an entry in ClinVar:

NM_014989.7(RIMS1):c.3203T>C (p.Leu1068Pro)

Gene: RIMS1 (regulating synaptic membrane exocytosis 1; plus strand). Cytogenetic location: 6q13.
Variant type: single nucleotide variant.
Coding change: c.3203T>C on transcript NM_014989.7 (MANE Select); coding-DNA position 3203, T replaced by C.
Protein change: p.Leu1068Pro; replaces leucine 1068 with proline.
Molecular consequence: missense variant. On other transcripts: intron variant (62).
Genome position (GRCh38, 1-based): chr6:72,265,398, T>C. VCF-style: chr6-72265398-T-C. GRCh37 (hg19) VCF-style: chr6-72975101-T-C.
Other names: c.1622T>C, p.Leu541Pro (NM_001350436.2); c.1470-562T>C (NM_001350428.2, NM_001350459.2, NM_001350424.2 and 1 more transcripts); c.1467-562T>C (NM_001350437.2, NM_001350430.2, NM_001350421.2 and 1 more transcripts); c.1616+346T>C (NM_001350458.2); c.1539-562T>C (NM_001350433.2, NM_001350446.2, NM_001350442.2 and 8 more transcripts); c.1538+4631T>C (NM_001350431.2); c.1476-562T>C (NM_001350457.2); c.1475+6287T>C (NM_001350460.2, NM_001350426.2, NM_001350429.2 and 1 more transcripts); and 14 more; short protein forms L1068P, L541P.
Identifiers: ClinVar variation 1362788 (VCV001362788.7), dbSNP rs753857836, ClinGen allele CA364685592.

ClinVar aggregate classification (germline): Uncertain significance. Review status: criteria provided, multiple submitters, no conflicts (2 of 4 stars). 2 submissions from 2 submitters: Uncertain significance (2). Last evaluated 2023-06-14.

Allele frequency attached by ClinVar (database versions not stated): gnomAD exomes below 0.00001.
gnomAD v4.1: 3 of 1,576,668 alleles (0.00019%); highest among the groups gnomAD compares: Non-Finnish European, 0.00017%; no homozygotes.

Submissions (2):

Labcorp Genetics (formerly Invitae), Labcorp
Classification: Uncertain significance. Last evaluated: 2023-06-14. Review status: criteria provided, single submitter. Criteria: Invitae Variant Classification Sherloc (09022015). Collection method: clinical testing. Allele origin: germline.
Comment: This sequence change replaces leucine, which is neutral and non-polar, with proline, which is neutral and non-polar, at codon 1068 of the RIMS1 protein (p.Leu1068Pro). This variant is not present in population databases (gnomAD no frequency). This variant has not been reported in the literature in individuals affected with RIMS1-related conditions. ClinVar contains an entry for this variant (Variation ID: 1362788). An algorithm developed to predict the effect of missense changes on protein structure and function (PolyPhen-2) suggests that this variant is likely to be disruptive. In summary, the available evidence is currently insufficient to determine the role of this variant in disease. Therefore, it has been classified as a Variant of Uncertain Significance.

Blueprint Genetics
Classification: Uncertain significance. Last evaluated: 2021-03-05. Review status: criteria provided, single submitter. Criteria: ACMG Guidelines, 2015. Collection method: clinical testing. Allele origin: germline.